The following is an entry in ClinVar:

NM_000342.4(SLC4A1):c.2630T>C (p.Ile877Thr)

Gene: SLC4A1 (solute carrier family 4 member 1 (Diego blood group); minus strand). Cytogenetic location: 17q21.31.
Variant type: single nucleotide variant.
Coding change: c.2630T>C on transcript NM_000342.4 (MANE Select); coding-DNA position 2630, T replaced by C.
Protein change: p.Ile877Thr; replaces isoleucine 877 with threonine.
Molecular consequence: missense variant.
Genome position (GRCh38, 1-based): chr17:44,251,184, A>G on the plus strand (T>C on the coding strand, the complement: SLC4A1 is on the minus strand). VCF-style: chr17-44251184-A-G. GRCh37 (hg19) VCF-style: chr17-42328552-A-G.
Other names: short protein forms I877T.
Identifiers: ClinVar variation 323501 (VCV000323501.5), dbSNP rs765911147, ClinGen allele CA8599985.
Genomic context (GRCh38, chr17:44,251,184, plus strand): 5'-CAGCTCTTGTGCCCCAGGCCCAGGCAGCCACTCACACACTGAAGCTCCACGTTCCTGAAG[A>G]TGAGCGGCAGCAGGACGCGCCGCAGCGGCACAGTGAGGATGAGGACGAAGGGCAGGGCCA-3'
Protein context (NP_000333.1, residues 867-887): VPLRRVLLPL[Ile877Thr]FRNVELQCLD

ClinVar aggregate classification (germline): Conflicting classifications of pathogenicity. Review status: criteria provided, conflicting classifications (1 of 4 stars). 3 submissions from 1 submitter: Uncertain significance (2); Likely benign (1). Last evaluated 2018-01-13.

Conditions:
Hereditary spherocytosis type 4. Also called: SLC4A1-Related Spherocytosis. Identifiers: Orphanet 822, MedGen C2675212, MONDO:0012981, OMIM 612653.
Autosomal dominant distal renal tubular acidosis (DRTA1). Also called: RTA, CLASSIC TYPE; RTA, DISTAL TYPE, AUTOSOMAL DOMINANT; RTA, GRADIENT TYPE; Renal Tubular Acidosis, Type I; RENAL TUBULAR ACIDOSIS, DISTAL, 1. Identifiers: Orphanet 93608, MedGen CN280572, MONDO:0008368, OMIM 179800.
Hemolytic anemia. Identifiers: MedGen C0002878, MONDO:0003664, HP:0001878.

Allele frequency attached by ClinVar (database versions not stated): ExAC 0.00003; gnomAD exomes 0.00003 and 0.00008; gnomAD 0.00005 and 0.00006; TOPMed 0.00007.
gnomAD v4.1: 136 of 1,610,076 alleles (0.0084%); highest among the groups gnomAD compares: Non-Finnish European, 0.0099%; no homozygotes.

Submissions (3):

Illumina Laboratory Services, Illumina
Classification: Uncertain significance for Hereditary spherocytosis type 4. Last evaluated: 2018-01-13. Review status: criteria provided, single submitter. Criteria: ICSL Variant Classification Criteria 13 December 2019. Collection method: clinical testing. Allele origin: germline.

Illumina Laboratory Services, Illumina
Classification: Uncertain significance for Hemolytic anemia. Last evaluated: 2018-01-13. Review status: criteria provided, single submitter. Criteria: ICSL Variant Classification Criteria 13 December 2019. Collection method: clinical testing. Allele origin: germline.

Illumina Laboratory Services, Illumina
Classification: Likely benign for Autosomal dominant distal renal tubular acidosis. Last evaluated: 2018-01-13. Review status: criteria provided, single submitter. Criteria: ICSL Variant Classification Criteria 13 December 2019. Collection method: clinical testing. Allele origin: germline.
Comment: This variant was observed in the ICSL laboratory as part of a predisposition screen in an ostensibly healthy population. It had not been previously curated by ICSL or reported in the Human Gene Mutation Database (HGMD: prior to June 1st, 2018), and was therefore a candidate for classification through an automated scoring system. Utilizing variant allele frequency, disease prevalence and penetrance estimates, and inheritance mode, an automated score was calculated to assess if this variant is too frequent to cause the disease. Based on the score and internal cut-off values, a variant classified as likely benign is not then subjected to further curation. The score for this variant resulted in a classification of likely benign for this disease.